The following is an entry in ClinVar:

NM_000321.3(RB1):c.1072C>T (p.Arg358Ter)

Gene: RB1 (RB transcriptional corepressor 1; plus strand). Cytogenetic location: 13q14.2.
Variant type: single nucleotide variant.
Coding change: c.1072C>T on transcript NM_000321.3 (MANE Select); coding-DNA position 1072, C replaced by T.
Protein change: p.Arg358Ter; replaces arginine 358 with a stop codon.
Molecular consequence: nonsense.
Genome position (GRCh38, 1-based): chr13:48,368,549, C>T. VCF-style: chr13-48368549-C-T. GRCh37 (hg19) VCF-style: chr13-48942685-C-T.
Other names: L11910:g.65386C>T; short protein forms R358*.
Identifiers: ClinVar variation 13076 (VCV000013076.32), dbSNP rs121913301, ClinGen allele CA026363.

ClinVar aggregate classification (germline): Pathogenic. Review status: criteria provided, multiple submitters, no conflicts (2 of 4 stars). 10 submissions from 10 submitters: Pathogenic (9). 1 of the submissions does not count toward it. Last evaluated 2025-07-21.
ClinVar aggregate classification (oncogenicity): Oncogenic (1 of 4 stars; one submission).

Conditions:
RB1-related disorder. Also called: RB1-related condition.
Hereditary cancer-predisposing syndrome. Also called: Hereditary neoplastic syndrome; Tumor predisposition; Neoplastic Syndromes, Hereditary; Hereditary Cancer Syndrome. Identifiers: Orphanet 140162, MedGen C0027672, MeSH D009386, MONDO:0015356.
Retinoblastoma (RB1). Also called: RETINOBLASTOMA, SOMATIC. Identifiers: Orphanet 790, MedGen C0035335, MeSH D012175, MONDO:0008380, OMIM 180200, HP:0009919. Disease mechanism: loss of function. Inheritance: Both sporadic and heritable forms are tested..
Neoplasm. Also called: Neoplasms; Neoplasm (disease); tumor. Identifiers: MedGen C0027651, MeSH D009369, MONDO:0005070, HP:0002664.

Submissions (11):

Ambry Genetics
Classification: Pathogenic for Hereditary cancer-predisposing syndrome. Last evaluated: 2025-07-21. Review status: criteria provided, single submitter. Criteria: Ambry Variant Classification Scheme 2023. Collection method: clinical testing. Allele origin: germline.
Comment: The c.1072C>T (p.R358*) alteration, located in exon 11 (coding exon 11) of the RB1 gene, consists of a C to T substitution at nucleotide position 1072. This changes the amino acid from a arginine (R) to a stop codon at amino acid position 358. This alteration is expected to result in loss of function by premature protein truncation or nonsense-mediated mRNA decay. This variant was not reported in population-based cohorts in the Genome Aggregation Database (gnomAD). This variant was reported in individual(s) with features consistent with RB1-related hereditary retinoblastoma (Blanquet, 1995; Dommering, 2014; Dommering, 2014; Kalsoom, 2015; Sagi, 2015; Ambry internal data). Based on the available evidence, this alteration is classified as pathogenic.

Center for Genomic Medicine, Rigshospitalet, Copenhagen University Hospital
Classification: Oncogenic for Neoplasm. Last evaluated: 2025-03-04. Review status: criteria provided, single submitter. Criteria: ClinGen/CGC/VICC Guidelines for Oncogenicity, 2022. Collection method: clinical testing. Allele origin: somatic. Affected: yes.

Victorian Clinical Genetics Services, Murdoch Childrens Research Institute
Classification: Pathogenic for Retinoblastoma. Last evaluated: 2024-09-20. Review status: criteria provided, single submitter. Criteria: ACMG Guidelines, 2015. Collection method: clinical testing. Allele origin: germline. Inheritance: Autosomal dominant inheritance. Affected: yes.
Comment: Based on the classification scheme VCGS_Germline_v1.3.4, this variant is classified as pathogenic. Following criteria are met: 0102 - Loss of function is a known mechanism of disease in this gene and is associated with retinoblastoma (MIM#180200). (I) 0107 - This gene is associated with autosomal dominant disease. (I) 0112 - The condition associated with this gene has incomplete penetrance. A small proportion of families have a ‘low penetrance’ phenotype, although null alleles are almost always fully penetrant (PMID: 20301625). (I) 0115 - Variants in this gene are known to have variable expressivity whereby affected individuals can develop unilateral, bilateral or trilateral disease (PMID: 20301625; OMIM). (I) 0201 - Variant is predicted to cause nonsense-mediated decay (NMD) and loss of protein (premature termination codon is located at least 54 nucleotides upstream of the final exon-exon junction). (SP) 0251 - This variant is heterozygous. (I) 0301 - Variant is absent from gnomAD (both v2 and v3). (SP) 0701 - Other null variants comparable to the one identified in this case have very strong previous evidence for pathogenicity. There are at least ten NMD-predicted variants that have been classified as likely pathogenic or pathogenic (DECIPHER). (SP) 0801 - This variant has strong previous evidence of pathogenicity in unrelated individuals. This variant has been classified as likely pathogenic or pathogenic by at least five clinical diagnostic laboratories (ClinVar). (SP) 1208 - Inheritance information for this variant is not currently available in this individual. (I) Legend: (SP) - Supporting pathogenic, (I) - Information, (SB) - Supporting benign

Genetic Diagnostic Laboratory, University of Pennsylvania School of Medicine
Classification: Pathogenic for Retinoblastoma. Last evaluated: 2024-05-20. Review status: criteria provided, single submitter. Criteria: ACMG Guidelines, 2015. Collection method: clinical testing. Allele origin: germline. Affected: yes. Observed: 21 variant alleles.
Comment: Case and Pedigree Information: BILATERAL CASES:17, UNILATERAL CASES:4, TOTAL CASES:21, PEDIGREES:20 (one pedigree contains both unilateral and bilateral cases). ACMG Codes Applied:PVS1, PM2, PS4S

Labcorp Genetics (formerly Invitae), Labcorp
Classification: Pathogenic for Retinoblastoma. Last evaluated: 2024-05-19. Review status: criteria provided, single submitter. Criteria: Invitae Variant Classification Sherloc (09022015). Collection method: clinical testing. Allele origin: germline.
Comment: This sequence change creates a premature translational stop signal (p.Arg358*) in the RB1 gene. It is expected to result in an absent or disrupted protein product. Loss-of-function variants in RB1 are known to be pathogenic (PMID: 17096365). This variant is not present in population databases (gnomAD no frequency). This premature translational stop signal has been observed in individual(s) with unilateral or bilateral retinoblastoma (PMID: 7795591, 22219649, 22328814, 24078560, 24791139, 25928201, 26530098, 27582626). ClinVar contains an entry for this variant (Variation ID: 13076). Algorithms developed to predict the effect of sequence changes on RNA splicing suggest that this variant may disrupt the consensus splice site. For these reasons, this variant has been classified as Pathogenic.

St. Jude Molecular Pathology, St. Jude Children's Research Hospital
Classification: Pathogenic for Retinoblastoma. Last evaluated: 2023-06-02. Review status: criteria provided, single submitter. Criteria: St. Jude Assertion Criteria 2020. Collection method: clinical testing. Allele origin: germline. Affected: yes.
Comment: The RB1 c.1072C>T (p.Arg358Ter) change is a nonsense variant that is predicted to cause premature protein truncation and loss of normal protein function. This variant has been identified in multiple individuals with retinoblastoma (PMID: 7795591, 22219649, 22328814, 24078560, 24791139, 25928201, 26530098, 27582626, internal data). This variant is absent in gnomAD v2.1.1. In summary, this variant meets criteria to be classified as pathogenic.

GeneDx
Classification: Pathogenic. Last evaluated: 2022-11-02. Review status: criteria provided, single submitter. Criteria: GeneDx Variant Classification Process June 2021. Collection method: clinical testing. Allele origin: germline. Affected: yes.
Comment: Nonsense variant predicted to result in protein truncation or nonsense mediated decay in a gene for which loss-of-function is a known mechanism of disease; Not observed at significant frequency in large population cohorts (gnomAD); This variant is associated with the following publications: (PMID: 22219649, 19280657, 23532519, 18503160, 12402348, 23981928, 33493472, 22328814, 25525159, 7795591, 25754945, 24078560, 15884040, 14769601, 2594029, 27582626, 26396485, 16682285, 9311732, 25928201, 12541220, 34308366, 33466343, 33456302)

Blueprint Genetics
Classification: Pathogenic for RB1-related disorders. Last evaluated: 2022-05-11. Review status: criteria provided, single submitter. Criteria: ACMG Guidelines, 2015. Collection method: clinical testing. Allele origin: germline. Affected: yes. Observed: 1 variant allele.

Institute of Medical Genetics and Applied Genomics, University Hospital Tübingen
Classification: Pathogenic. Last evaluated: 2021-06-17. Review status: criteria provided, single submitter. Criteria: ACMG Guidelines, 2015. Collection method: clinical testing. Allele origin: germline. Inheritance: Autosomal dominant inheritance. Affected: yes.

Eurofins Ntd Llc (ga)
Classification: Pathogenic. Last evaluated: 2015-09-02. Review status: criteria provided, single submitter. Criteria: EGL Classification Definitions 2015. Collection method: clinical testing. Allele origin: germline.

OMIM
Classification: Pathogenic for RETINOBLASTOMA. Last evaluated: 1989-12-21. Review status: no assertion criteria provided. Collection method: literature only. Allele origin: unknown. Not counted in ClinVar's aggregate classification.

Literature cited by the submitters: PubMed 7795591 (cited by 3 submitters); PubMed 24688104 (cited by Ambry Genetics); PubMed 25754945 (cited by Ambry Genetics); PubMed 25928201 (cited by 3 submitters); PubMed 26396485 (cited by Ambry Genetics); PubMed 17096365 (cited by Center for Genomic Medicine, Rigshospitalet, Copenhagen University Hospital and Labcorp Genetics (formerly Invitae), Labcorp); PubMed 22219649 (cited by Center for Genomic Medicine, Rigshospitalet, Copenhagen University Hospital and Labcorp Genetics (formerly Invitae), Labcorp); PubMed 22328814 (cited by Center for Genomic Medicine, Rigshospitalet, Copenhagen University Hospital and Labcorp Genetics (formerly Invitae), Labcorp); PubMed 24078560 (cited by Center for Genomic Medicine, Rigshospitalet, Copenhagen University Hospital and Labcorp Genetics (formerly Invitae), Labcorp); PubMed 24791139 (cited by Center for Genomic Medicine, Rigshospitalet, Copenhagen University Hospital and Labcorp Genetics (formerly Invitae), Labcorp); PubMed 26530098 (cited by Center for Genomic Medicine, Rigshospitalet, Copenhagen University Hospital and Labcorp Genetics (formerly Invitae), Labcorp); PubMed 27582626 (cited by Center for Genomic Medicine, Rigshospitalet, Copenhagen University Hospital and Labcorp Genetics (formerly Invitae), Labcorp); PubMed 20301625 (cited by Victorian Clinical Genetics Services, Murdoch Childrens Research Institute); PubMed 2594029 (cited by OMIM).